The following is an entry in ClinVar:

ClinVar aggregate classification (germline): Likely benign. Review status: criteria provided, multiple submitters, no conflicts (2 of 4 stars). 2 submissions from 2 submitters: Likely benign (2). Last evaluated 2025-03-01.

Conditions:
Imerslund-Grasbeck syndrome. Also called: Imerslund-Gräsbeck syndrome; ENTEROCYTE COBALAMIN MALABSORPTION; ENTEROCYTE INTRINSIC FACTOR RECEPTOR, DEFECT OF; PERNICIOUS ANEMIA, JUVENILE, DUE TO SELECTIVE INTESTINAL MALABSORPTION OF VITAMIN B12, WITH PROTEINURIA; Megaloblastic anemia due to inborn errors of metabolism. Identifiers: Orphanet 35858, MedGen C4551825, MONDO:0009853.

gnomAD v4.1: 133 of 1,613,594 alleles (0.0082%); highest among the groups gnomAD compares: Non-Finnish European, 0.011%; no homozygotes.

Submissions (2):

CeGaT Center for Human Genetics Tuebingen
Classification: Likely benign. Last evaluated: 2025-03-01. Review status: criteria provided, single submitter. Criteria: CeGaT Center For Human Genetics Tuebingen Variant Classification Criteria Version 2. Collection method: clinical testing. Allele origin: germline. Affected: yes. Observed: 1 variant allele.
Comment: CUBN: BP4, BP7

Labcorp Genetics (formerly Invitae), Labcorp
Classification: Likely benign for Imerslund-Grasbeck syndrome. Last evaluated: 2024-06-27. Review status: criteria provided, single submitter. Criteria: Invitae Variant Classification Sherloc (09022015). Collection method: clinical testing. Allele origin: germline.

NM_001081.4(CUBN):c.2859C>A (p.Pro953=)

Gene: CUBN (cubilin; minus strand). Cytogenetic location: 10p13.
Variant type: single nucleotide variant.
Coding change: c.2859C>A on transcript NM_001081.4 (MANE Select); coding-DNA position 2859, C replaced by A.
Protein change: p.Pro953=; no amino-acid change (proline 953 retained).
Molecular consequence: synonymous variant.
Genome position (GRCh38, 1-based): chr10:17,068,213, G>T on the plus strand (C>A on the coding strand, the complement: CUBN is on the minus strand). VCF-style: chr10-17068213-G-T. GRCh37 (hg19) VCF-style: chr10-17110212-G-T.
Identifiers: ClinVar variation 3611854 (VCV003611854.9).